The following is an entry in ClinVar:

ClinVar aggregate classification (germline): Pathogenic. Review status: criteria provided, multiple submitters, no conflicts (2 of 4 stars). 2 submissions from 2 submitters: Pathogenic (2). Last evaluated 2024-01-02.

Submissions (2):

Labcorp Genetics (formerly Invitae), Labcorp
Classification: Pathogenic. Last evaluated: 2024-01-02. Review status: criteria provided, single submitter. Criteria: Invitae Variant Classification Sherloc (09022015). Collection method: clinical testing. Allele origin: germline.
Comment: This sequence change creates a premature translational stop signal (p.Gln51*) in the PHEX gene. It is expected to result in an absent or disrupted protein product. Loss-of-function variants in PHEX are known to be pathogenic (PMID: 9097956, 9106524, 19219621). This variant is not present in population databases (gnomAD no frequency). This premature translational stop signal has been observed in individual(s) with hypophosphatemic rickets (PMID: 9097956). ClinVar contains an entry for this variant (Variation ID: 420126). For these reasons, this variant has been classified as Pathogenic.

GeneDx
Classification: Pathogenic. Last evaluated: 2017-02-03. Review status: criteria provided, single submitter. Criteria: GeneDx Variant Classification (06012015). Collection method: clinical testing. Allele origin: germline. Affected: yes.
Comment: The Q51X nonsense variant in the PHEX gene has been reported previously in association with hypophosphatemic rickets (Rowe et al., 1997; Holm et al., 2001). This pathogenic variant is predicted to cause loss of normal protein function either through protein truncation or nonsense-mediated mRNA decay. Additionally, the Q51X variant was not observed in approximately 6,500 individuals of European and African American ancestry in the NHLBI Exome Sequencing Project, indicating it is not a common benign variant in these populations.

Literature cited by the submitters: PubMed 9097956 (cited by Labcorp Genetics (formerly Invitae), Labcorp); PubMed 9106524 (cited by Labcorp Genetics (formerly Invitae), Labcorp); PubMed 19219621 (cited by Labcorp Genetics (formerly Invitae), Labcorp).

NM_000444.6(PHEX):c.151C>T (p.Gln51Ter)

Gene: PHEX (phosphate regulating endopeptidase X-linked; plus strand). Cytogenetic location: Xp22.11.
Variant type: single nucleotide variant.
Coding change: c.151C>T on transcript NM_000444.6 (MANE Select); coding-DNA position 151, C replaced by T.
Protein change: p.Gln51Ter; replaces glutamine 51 with a stop codon.
Molecular consequence: nonsense.
Genome position (GRCh38, 1-based): chrX:22,038,501, C>T. VCF-style: chrX-22038501-C-T. GRCh37 (hg19) VCF-style: chrX-22056619-C-T.
Other names: c.151C>T, p.Gln51Ter (NM_001282754.2); short protein forms Q51*.
Identifiers: ClinVar variation 420126 (VCV000420126.10), dbSNP rs1064794303, ClinGen allele CA16621305.